The following is an entry in ClinVar:

NM_005862.3(STAG1):c.1918T>C (p.Tyr640His)

Gene: STAG1 (STAG1 cohesin complex component; minus strand). Cytogenetic location: 3q22.3.
Variant type: single nucleotide variant.
Coding change: c.1918T>C on transcript NM_005862.3 (MANE Select); coding-DNA position 1918, T replaced by C.
Protein change: p.Tyr640His; replaces tyrosine 640 with histidine.
Molecular consequence: missense variant.
Genome position (GRCh38, 1-based): chr3:136,422,529, A>G on the plus strand (T>C on the coding strand, the complement: STAG1 is on the minus strand). VCF-style: chr3-136422529-A-G. GRCh37 (hg19) VCF-style: chr3-136141371-A-G.
Other names: short protein forms Y640H.
Identifiers: ClinVar variation 2682310 (VCV002682310.1), dbSNP rs2530395338, ClinGen allele CA354644053.

ClinVar aggregate classification (germline): Uncertain significance (1 of 4 stars; one submission).

Submission:

Women's Health and Genetics/Laboratory Corporation of America, LabCorp
Classification: Uncertain significance. Last evaluated: 2023-11-03. Review status: criteria provided, single submitter. Criteria: LabCorp Variant Classification Summary - May 2015. Collection method: clinical testing. Allele origin: germline.
Comment: Variant summary: STAG1 c.1918T>C (p.Tyr640His) results in a conservative amino acid change in the encoded protein sequence. Four of five in-silico tools predict a benign effect of the variant on protein function. The variant was absent in 251224 control chromosomes (gnomAD). The available data on variant occurrences in the general population are insufficient to allow any conclusion about variant significance. To our knowledge, no occurrence of c.1918T>C in individuals affected with Mental Retardation, Autosomal Dominant 47 and no experimental evidence demonstrating its impact on protein function have been reported. No submitters have cited clinical-significance assessments for this variant to ClinVar after 2014. Based on the evidence outlined above, the variant was classified as uncertain significance.